The following is an entry in ClinVar:

ClinVar aggregate classification (germline): Uncertain significance (1 of 4 stars; one submission).

Conditions:
Seizures, benign familial infantile, 3 (BFIS3). Also called: CONVULSIONS, BENIGN FAMILIAL INFANTILE, 3; Familial neonatal seizures. Identifiers: Orphanet 140927, Orphanet 306, MedGen C1843140, MONDO:0011904, OMIM 607745.
Developmental and epileptic encephalopathy, 11 (DEE11). Also called: Early infantile epileptic encephalopathy 11. Identifiers: Orphanet 1934, MedGen C3150987, MONDO:0013388, OMIM 613721.

Submission:

Labcorp Genetics (formerly Invitae), Labcorp
Classification: Uncertain significance for Seizures, benign familial infantile, 3; Developmental and epileptic encephalopathy, 11. Last evaluated: 2024-10-22. Review status: criteria provided, single submitter. Criteria: Invitae Variant Classification Sherloc (09022015). Collection method: clinical testing. Allele origin: germline.
Comment: This variant, c.3793_3795del, results in the deletion of 1 amino acid(s) of the SCN2A protein (p.Gly1265del), but otherwise preserves the integrity of the reading frame. This variant is not present in population databases (gnomAD no frequency). This variant has not been reported in the literature in individuals affected with SCN2A-related conditions. ClinVar contains an entry for this variant (Variation ID: 848481). Experimental studies and prediction algorithms are not available or were not evaluated, and the functional significance of this variant is currently unknown. In summary, the available evidence is currently insufficient to determine the role of this variant in disease. Therefore, it has been classified as a Variant of Uncertain Significance.

NM_001040142.2(SCN2A):c.3793_3795del (p.Gly1265del)

Gene: SCN2A (sodium voltage-gated channel alpha subunit 2; plus strand). Cytogenetic location: 2q24.3.
Variant type: Deletion.
Coding change: c.3793_3795del on transcript NM_001040142.2 (MANE Select); coding-DNA positions 3793 to 3795, 3 bases deleted (GGT; older notation c.3793_3795delGGT).
Protein change: p.Gly1265del; deletes glycine 1265.
Molecular consequence: inframe deletion.
Genome position (GRCh38, 1-based): chr2:165,370,243-165,370,245, GGT deleted; deleting any 3 consecutive bases within chr2:165,370,242-165,370,245 gives the same sequence; the c. name uses the placement nearest the transcript's 3' end. VCF-style (leftmost placement, unchanged base first): chr2-165370241-ATGG-A. GRCh37 (hg19) VCF-style: chr2-166226751-ATGG-A.
Other names: c.3793_3795del, p.Gly1265del (NM_001040143.2, NM_001371246.1, NM_001371247.1 and 1 more transcripts); short protein forms G1265del.
Identifiers: ClinVar variation 848481 (VCV000848481.13), dbSNP rs1700956276, ClinGen allele CA916082220.
Genomic context (GRCh38, chr2:165,370,241, plus strand): 5'-ATGCTGACAAGGTTTTCACTTACATATTCATTCTGGAAATGCTGCTAAAGTGGGTTGCAT[ATGG>A]TTTTCAAGTGTATTTTACCAATGCCTGGTGCTGGCTAGACTTCCTGATTGTTGATGTGAG-3'